The following is an entry in ClinVar:

NM_004782.4(SNAP29):c.2T>C (p.Met1Thr)

Gene: SNAP29 (synaptosome associated protein 29; plus strand). Cytogenetic location: 22q11.21.
Variant type: single nucleotide variant.
Coding change: c.2T>C on transcript NM_004782.4 (MANE Select); coding-DNA position 2, T replaced by C.
Protein change: p.Met1Thr; changes the start codon (methionine 1).
Molecular consequence: missense variant, initiator codon variant.
Genome position (GRCh38, 1-based): chr22:20,859,112, T>C. VCF-style: chr22-20859112-T-C. GRCh37 (hg19) VCF-style: chr22-21213400-T-C.
Other names: short protein forms M1T.
Identifiers: ClinVar variation 279894 (VCV000279894.6), dbSNP rs886041240, ClinGen allele CA10603380.

ClinVar aggregate classification (germline): Pathogenic/Likely pathogenic. Review status: criteria provided, multiple submitters, no conflicts (2 of 4 stars). 4 submissions from 4 submitters: Pathogenic (1); Likely pathogenic (1). 2 of the submissions do not count toward it. Last evaluated 2024-06-19.

Conditions:
CEDNIK syndrome. Also called: Cerebral dysgenesis, neuropathy, ichthyosis, and palmoplantar keratoderma; CEREBRAL DYSGENESIS, NEUROPATHY, ICHTHYOSIS, AND PALMOPLANTAR KERATODERMA SYNDROME. Identifiers: Orphanet 66631, MedGen C1836033, MONDO:0012290, OMIM 609528.
Leukodystrophy, hypomyelinating, 2. Also called: PELIZAEUS-MERZBACHER-LIKE DISEASE, 1. Identifiers: Orphanet 280270, Orphanet 280282, MedGen C1837355, MONDO:0012125, OMIM 608804.

Allele frequency attached by ClinVar (database versions not stated): gnomAD exomes below 0.00001; gnomAD 0.00001; TOPMed 0.00001.

Submissions (4):

Fulgent Genetics
Classification: Likely pathogenic for CEDNIK syndrome. Last evaluated: 2024-06-19. Review status: criteria provided, single submitter. Criteria: ACMG Guidelines, 2015. Collection method: clinical testing. Allele origin: germline.

GeneDx
Classification: Pathogenic. Last evaluated: 2016-04-11. Review status: criteria provided, single submitter. Criteria: GeneDx Variant Classification (06012015). Collection method: clinical testing. Allele origin: germline. Affected: yes.
Comment: The c.2 T>C variant in the SNAP29 gene has not been reported previously as a pathogenic variant nor as a benign variant, to our knowledge. The c.2 T>C variant was not observed in approximately 6,400 individuals of European and African American ancestry in the NHLBI Exome Sequencing Project, indicating it is not a common benign variant in these populations. The variant alters the initiator Methionine codon, and the resultant protein would be described as p.Met1? using a question mark to signify that it is not known if the loss of Met1 means that all protein translation is completely prevented or if an abnormal protein is produced using an alternate Met. Therefore, this variant is pathogenic.

OMIM
Classification: Pathogenic for CEREBRAL DYSGENESIS, NEUROPATHY, ICHTHYOSIS, AND PALMOPLANTAR KERATODERMA SYNDROME. Last evaluated: 2022-05-23. Review status: no assertion criteria provided. Collection method: literature only. Allele origin: germline. Not counted in ClinVar's aggregate classification.

Tgen's Center for Rare Childhood Disorders, Translational Genomics Research Institute (tgen)
Classification: Pathogenic for Pelizaeus-Merzbacher like disease. Last evaluated: 2017-02-06. Review status: no assertion criteria provided. Collection method: clinical testing. Allele origin: paternal. Inheritance: Autosomal recessive inheritance. Affected: yes. Observed: 1 compound heterozygote. Not counted in ClinVar's aggregate classification.

Literature cited by the submitters: PubMed 33977139 (cited by OMIM); PubMed 31748968 (cited by OMIM).